The following is an entry in ClinVar:

NM_000260.4(MYO7A):c.3856G>A (p.Ala1286Thr)

Gene: MYO7A (myosin VIIA; plus strand). Cytogenetic location: 11q13.5.
Variant type: single nucleotide variant.
Coding change: c.3856G>A on transcript NM_000260.4 (MANE Select); coding-DNA position 3856, G replaced by A.
Protein change: p.Ala1286Thr; replaces alanine 1286 with threonine.
Molecular consequence: missense variant.
Genome position (GRCh38, 1-based): chr11:77,190,802, G>A. VCF-style: chr11-77190802-G-A. GRCh37 (hg19) VCF-style: chr11-76901847-G-A.
Other names: c.3856G>A, p.Ala1286Thr (NM_001127180.2); c.3823G>A, p.Ala1275Thr (NM_001369365.1); short protein forms A1286T, A1275T.
Identifiers: ClinVar variation 164692 (VCV000164692.13), dbSNP rs727503328, ClinGen allele CA177388.

ClinVar aggregate classification (germline): Conflicting classifications of pathogenicity. Review status: criteria provided, conflicting classifications (1 of 4 stars). 5 submissions from 5 submitters: Uncertain significance (2); Likely benign (1). 2 of the submissions do not count toward it. Last evaluated 2026-01-12.

Conditions:
Usher syndrome type 1B (USH1B). Also called: Usher syndrome type IB. Identifiers: MedGen C1848638, MONDO:0700087.
Usher syndrome type 1 (USH1). Also called: RETINITIS PIGMENTOSA AND CONGENITAL DEAFNESS. Identifiers: Orphanet 231169, Orphanet 886, MedGen C1568247, MONDO:0010168, OMIM 276900.
Autosomal recessive nonsyndromic hearing loss 2. Also called: NEUROSENSORY NONSYNDROMIC RECESSIVE DEAFNESS 2; DEAFNESS, AUTOSOMAL RECESSIVE 2. Identifiers: Orphanet 90636, MedGen C1838701, MONDO:0010807, OMIM 600060.

Allele frequency attached by ClinVar (database versions not stated): gnomAD 0.00001; TOPMed 0.00002; gnomAD exomes 0.00005 and 0.00006; ExAC 0.00010.
gnomAD v4.1: 66 of 1,592,094 alleles (0.0041%); highest among the groups gnomAD compares: South Asian, 0.061%; no homozygotes.

Submissions (5):

Labcorp Genetics (formerly Invitae), Labcorp
Classification: Likely benign. Last evaluated: 2026-01-12. Review status: criteria provided, single submitter. Criteria: Invitae Variant Classification Sherloc (09022015). Collection method: clinical testing. Allele origin: germline.

Blueprint Genetics
Classification: Uncertain significance. Last evaluated: 2024-11-04. Review status: criteria provided, single submitter. Criteria: ACMG Guidelines, 2015. Collection method: clinical testing. Allele origin: germline.

Laboratory for Molecular Medicine, Mass General Brigham Personalized Medicine
Classification: Uncertain significance. Last evaluated: 2014-02-20. Review status: criteria provided, single submitter. Criteria: LMM Criteria. Collection method: clinical testing. Allele origin: germline. Observed: 1 variant allele.
Comment: The Ala1286Thr variant in MYO7A has not been previously reported in individuals with hearing loss and was absent from large population studies. Computational pr ediction tools and conservation analyses do not provide strong support for or ag ainst an impact to the protein. In summary, additional information is needed to determine the clinical significance of this variant.

Natera, Inc.
Classification: Uncertain significance for Usher syndrome type 1B. Last evaluated: 2020-09-16. Review status: no assertion criteria provided. Collection method: clinical testing. Allele origin: germline. Not counted in ClinVar's aggregate classification.

Counsyl
Classification: Uncertain significance for Usher syndrome type 1; Autosomal recessive nonsyndromic hearing loss 2. Last evaluated: 2017-04-03. Review status: no assertion criteria provided. Collection method: clinical testing. Allele origin: unknown. Not counted in ClinVar's aggregate classification.